The following is an entry in ClinVar:

NM_006506.5(RASA2):c.204G>A (p.Leu68=)

Gene: RASA2 (RAS p21 protein activator 2; plus strand). Cytogenetic location: 3q23.
Variant type: single nucleotide variant.
Coding change: c.204G>A on transcript NM_006506.5 (MANE Select); coding-DNA position 204, G replaced by A.
Protein change: p.Leu68=; no amino-acid change (leucine 68 retained).
Molecular consequence: synonymous variant.
Genome position (GRCh38, 1-based): chr3:141,512,233, G>A. VCF-style: chr3-141512233-G-A. GRCh37 (hg19) VCF-style: chr3-141231075-G-A.
Other names: c.204G>A, p.Leu68= (NM_001303245.3, NM_001303246.3); c.204G>A (NM_001303246.1).
Identifiers: ClinVar variation 1785036 (VCV001785036.6), dbSNP rs995854799, ClinGen allele CA84644423.

ClinVar aggregate classification (germline): Likely benign. Review status: criteria provided, multiple submitters, no conflicts (2 of 4 stars). 3 submissions from 3 submitters: Likely benign (2). 1 of the submissions does not count toward it. Last evaluated 2024-06-30.

Conditions:
RASA2-related disorder. Also called: RASA2-related condition.

Allele frequency attached by ClinVar (database versions not stated): TOPMed 0.00002.

Submissions (3):

Labcorp Genetics (formerly Invitae), Labcorp
Classification: Likely benign. Last evaluated: 2024-06-30. Review status: criteria provided, single submitter. Criteria: Invitae Variant Classification Sherloc (09022015). Collection method: clinical testing. Allele origin: germline.

Ambry Genetics
Classification: Likely benign. Last evaluated: 2021-05-19. Review status: criteria provided, single submitter. Criteria: Ambry Variant Classification Scheme 2023. Collection method: clinical testing. Allele origin: germline.

PreventionGenetics, part of Exact Sciences
Classification: Likely benign for RASA2-related condition. Last evaluated: 2023-06-19. Review status: no assertion criteria provided. Collection method: clinical testing. Allele origin: germline. Not counted in ClinVar's aggregate classification.
Comment: This variant is classified as likely benign based on ACMG/AMP sequence variant interpretation guidelines (Richards et al. 2015 PMID: 25741868, with internal and published modifications).